The following is an entry in ClinVar:

NM_005592.4(MUSK):c.1586+26T>C

Gene: MUSK (muscle associated receptor tyrosine kinase; plus strand). Cytogenetic location: 9q31.3.
Variant type: single nucleotide variant.
Coding change: c.1586+26T>C on transcript NM_005592.4 (MANE Select); 26 bases into the intron after coding-DNA position 1586, T replaced by C.
Molecular consequence: intron variant.
Genome position (GRCh38, 1-based): chr9:110,785,042, T>C. VCF-style: chr9-110785042-T-C. GRCh37 (hg19) VCF-style: chr9-113547322-T-C.
Other names: c.1328+26T>C (NM_001166280.2); c.1298+26T>C (NM_001166281.2); c.326+26T>C (NM_001369398.1).
Identifiers: ClinVar variation 259801 (VCV000259801.5), dbSNP rs484010, ClinGen allele CA5184396.

ClinVar aggregate classification (germline): Benign. Review status: criteria provided, multiple submitters, no conflicts (2 of 4 stars). 5 submissions from 4 submitters: Benign (5). Last evaluated 2021-09-05.

Conditions:
Congenital myasthenic syndrome 9. Also called: Myasthenic syndrome, congenital, 9, associated with acetylcholine receptor deficiency. Identifiers: Orphanet 590, MedGen C4225368, MONDO:0014587, OMIM 616325.
Fetal akinesia deformation sequence 1 (FADS1). Also called: Pena-Shokeir syndrome type I; Fetal akinesia sequence. Identifiers: Orphanet 994, MedGen C1276035, MONDO:0100101, OMIM 208150, HP:0001989.

Allele frequency attached by ClinVar (database versions not stated): gnomAD exomes 0.92811 and 0.94477; ESP Exome Variant Server 0.94181; ExAC 0.94489; gnomAD 0.94561 and 0.94660; TOPMed 0.94665; 1000 Genomes Project 0.97005; 1000 Genomes Project 30x 0.97049.
gnomAD v4.1: 1,486,293 of 1,598,002 alleles (93%); highest among the groups gnomAD compares: East Asian, 100%; 691,822 homozygotes.

Submissions (5):

Genome-Nilou Lab
Classification: Benign for Fetal akinesia deformation sequence 1. Last evaluated: 2021-09-05. Review status: criteria provided, single submitter. Criteria: ACMG Guidelines, 2015. Collection method: clinical testing. Allele origin: germline. Affected: no.

Genome-Nilou Lab
Classification: Benign for Congenital myasthenic syndrome 9. Last evaluated: 2021-09-05. Review status: criteria provided, single submitter. Criteria: ACMG Guidelines, 2015. Collection method: clinical testing. Allele origin: germline. Affected: no.

GeneDx
Classification: Benign. Last evaluated: 2018-06-16. Review status: criteria provided, single submitter. Criteria: GeneDx Variant Classification (06012015). Collection method: clinical testing. Allele origin: germline. Affected: yes.
Comment: This variant is considered likely benign or benign based on one or more of the following criteria: it is a conservative change, it occurs at a poorly conserved position in the protein, it is predicted to be benign by multiple in silico algorithms, and/or has population frequency not consistent with disease.

Breakthrough Genomics
Classification: Benign. Review status: criteria provided, single submitter. Criteria: ACMG Guidelines, 2015. Collection method: not provided. Allele origin: germline. Inheritance: Autosomal recessive inheritance. Affected: yes.

PreventionGenetics, part of Exact Sciences
Classification: Benign. Review status: criteria provided, single submitter. Criteria: ACMG Guidelines, 2015. Collection method: clinical testing. Allele origin: germline.